The following is an entry in ClinVar:

NM_001040108.2(MLH3):c.2775C>A (p.Asn925Lys)

Gene: MLH3 (mutL homolog 3; minus strand). Cytogenetic location: 14q24.3.
Variant type: single nucleotide variant.
Coding change: c.2775C>A on transcript NM_001040108.2 (MANE Select); coding-DNA position 2775, C replaced by A.
Protein change: p.Asn925Lys; replaces asparagine 925 with lysine.
Molecular consequence: missense variant.
Genome position (GRCh38, 1-based): chr14:75,046,881, G>T on the plus strand (C>A on the coding strand, the complement: MLH3 is on the minus strand). VCF-style: chr14-75046881-G-T. GRCh37 (hg19) VCF-style: chr14-75513584-G-T.
Other names: p.Asn925Lys; c.2775C>A, p.Asn925Lys (NM_014381.3); short protein forms N925K.
Identifiers: ClinVar variation 410901 (VCV000410901.16), dbSNP rs144010264, ClinGen allele CA7275642.

ClinVar aggregate classification (germline): Uncertain significance. Review status: criteria provided, multiple submitters, no conflicts (2 of 4 stars). 4 submissions from 4 submitters: Uncertain significance (4). Last evaluated 2025-12-17.

Conditions:
Colorectal cancer, hereditary nonpolyposis, type 7. Identifiers: Orphanet 144, MedGen C1858380, MONDO:0013725, OMIM 614385.

Allele frequency attached by ClinVar (database versions not stated): ExAC 0.00002; gnomAD exomes 0.00003; ESP Exome Variant Server 0.00015; TOPMed 0.00017; gnomAD 0.00019 and 0.00020.
gnomAD v4.1: 64 of 1,613,790 alleles (0.004%); highest among the groups gnomAD compares: African/African-American, 0.056%; no homozygotes.

Submissions (4):

Labcorp Genetics (formerly Invitae), Labcorp
Classification: Uncertain significance for Colorectal cancer, hereditary nonpolyposis, type 7. Last evaluated: 2025-12-17. Review status: criteria provided, single submitter. Criteria: Invitae Variant Classification Sherloc (09022015). Collection method: clinical testing. Allele origin: germline.
Comment: This sequence change replaces asparagine, which is neutral and polar, with lysine, which is basic and polar, at codon 925 of the MLH3 protein (p.Asn925Lys). This variant is present in population databases (rs144010264, gnomAD 0.04%), and has an allele count higher than expected for a pathogenic variant. This variant has not been reported in the literature in individuals affected with MLH3-related conditions. ClinVar contains an entry for this variant (Variation ID: 410901). An algorithm developed to predict the effect of missense changes on protein structure and function (PolyPhen-2) suggests that this variant is likely to be tolerated. In summary, the available evidence is currently insufficient to determine the role of this variant in disease. Therefore, it has been classified as a Variant of Uncertain Significance.

Mayo Clinic Laboratories, Mayo Clinic
Classification: Uncertain significance. Last evaluated: 2025-10-11. Review status: criteria provided, single submitter. Criteria: ACMG Guidelines, 2015. Collection method: clinical testing. Allele origin: germline. Observed: 1 variant allele.
Comment: BP4

Ambry Genetics
Classification: Uncertain significance. Last evaluated: 2025-02-06. Review status: criteria provided, single submitter. Criteria: Ambry Variant Classification Scheme 2023. Collection method: clinical testing. Allele origin: germline.

KCCC/NGS Laboratory, Kuwait Cancer Control Center
Classification: Uncertain significance for Colorectal cancer, hereditary nonpolyposis, type 7. Last evaluated: 2023-07-07. Review status: criteria provided, single submitter. Criteria: ACMG Guidelines, 2015. Collection method: clinical testing. Allele origin: unknown. Affected: yes.
Comment: This sequence change replaces asparagine with lysine at codon 925 of the MLH3 protein (p.Asn925Lys). The asparagine residue is moderately conserved and there is a moderate physicochemical difference between asparagine and lysine. This variant is present in population databases (ExAC 0.004%) but has not been reported in the literature in individuals with a MLH3-related disease as far as we know. Algorithms developed to predict the effect of missense changes on protein structure and function do not agree on the potential impact of this missense change (SIFT: "Tolerated"; PolyPhen-2: "Possibly damaging"). There is no indication that it causes disease, but the available evidence is currently insufficient to prove that conclusively. Therefore, it has been classified as a Variant of Uncertain Significance.